The following is an entry in ClinVar:

NM_001212.4(C1QBP):c.736C>T (p.Arg246Ter)

Gene: C1QBP (complement C1q binding protein; minus strand). Cytogenetic location: 17p13.2.
Variant type: single nucleotide variant.
Coding change: c.736C>T on transcript NM_001212.4 (MANE Select); coding-DNA position 736, C replaced by T.
Protein change: p.Arg246Ter; replaces arginine 246 with a stop codon.
Molecular consequence: nonsense.
Genome position (GRCh38, 1-based): chr17:5,433,128, G>A on the plus strand (C>T on the coding strand, the complement: C1QBP is on the minus strand). VCF-style: chr17-5433128-G-A. GRCh37 (hg19) VCF-style: chr17-5336448-G-A.
Other names: short protein forms R246*.
Identifiers: ClinVar variation 1453425 (VCV001453425.6), dbSNP rs746170176, ClinGen allele CA287255533.

ClinVar aggregate classification (germline): Pathogenic (1 of 4 stars; one submission).

Allele frequency attached by ClinVar (database versions not stated): gnomAD exomes below 0.00001; TOPMed below 0.00001.
gnomAD v4.1: 3 of 1,613,918 alleles (0.00019%); highest among the groups gnomAD compares: Non-Finnish European, 0.00025%; no homozygotes.

Submission:

Labcorp Genetics (formerly Invitae), Labcorp
Classification: Pathogenic. Last evaluated: 2021-07-02. Review status: criteria provided, single submitter. Criteria: Invitae Variant Classification Sherloc (09022015). Collection method: clinical testing. Allele origin: germline.
Comment: This sequence change creates a premature translational stop signal (p.Arg246*) in the C1QBP gene. While this is not anticipated to result in nonsense mediated decay, it is expected to disrupt the last 37 amino acid(s) of the C1QBP protein. This variant is not present in population databases (ExAC no frequency). This variant has not been reported in the literature in individuals affected with C1QBP-related conditions. This variant disrupts a region of the C1QBP protein in which other variant(s) (p.Leu275Phe) have been determined to be pathogenic (PMID: 28942965, 33344382). This suggests that this is a clinically significant region of the protein, and that variants that disrupt it are likely to be disease-causing. For these reasons, this variant has been classified as Pathogenic.

Literature cited by the submitters: PubMed 28942965; PubMed 33344382.